The following is an entry in ClinVar:

ClinVar aggregate classification (germline): Uncertain significance (1 of 4 stars; one submission).

Submission:

CeGaT Center for Human Genetics Tuebingen
Classification: Uncertain significance. Last evaluated: 2022-04-01. Review status: criteria provided, single submitter. Criteria: CeGaT Center For Human Genetics Tuebingen Variant Classification Criteria Version 2. Collection method: clinical testing. Allele origin: germline. Affected: yes. Observed: 1 variant allele.
Comment: SIAH1: PM2, PP2

NM_003031.4(SIAH1):c.569T>C (p.Met190Thr)

Genes: LONP2 (lon peptidase 2, peroxisomal; plus strand), SIAH1 (siah E3 ubiquitin protein ligase 1; minus strand). Cytogenetic location: 16q12.1.
Variant type: single nucleotide variant.
Coding change: c.569T>C on transcript NM_003031.4 (MANE Select); coding-DNA position 569, T replaced by C.
Protein change: p.Met190Thr; replaces methionine 190 with threonine.
Molecular consequence: missense variant. On other transcripts: 3 prime UTR variant (1).
Genome position (GRCh38, 1-based): chr16:48,361,860, A>G on the plus strand (T>C on the coding strand, the complement: SIAH1 is on the minus strand). VCF-style: chr16-48361860-A-G. GRCh37 (hg19) VCF-style: chr16-48395771-A-G.
Other names: c.662T>C, p.Met221Thr (NM_001006610.2); c.*264A>G (NM_001348078.2); short protein forms M190T, M221T.
Identifiers: ClinVar variation 2646499 (VCV002646499.22), dbSNP rs2544513762, ClinGen allele CA396105523.